The following is an entry in ClinVar:

ClinVar aggregate classification (germline): Conflicting classifications of pathogenicity. Review status: criteria provided, conflicting classifications (1 of 4 stars). 2 submissions from 2 submitters: Uncertain significance (1); Likely benign (1). Last evaluated 2025-12-29.

Conditions:
CHSY1-related disorder. Also called: CHSY1-related condition.
Temtamy preaxial brachydactyly syndrome (TPBS). Identifiers: Orphanet 363417, MedGen C1854466, MONDO:0011533, OMIM 605282.

Allele frequency attached by ClinVar (database versions not stated): gnomAD exomes 0.00010 and 0.00016; ExAC 0.00016; gnomAD 0.00044 and 0.00049; TOPMed 0.00045; ESP Exome Variant Server 0.00054.
gnomAD v4.1: 205 of 1,613,762 alleles (0.013%); highest among the groups gnomAD compares: African/African-American, 0.14%; no homozygotes.

Submissions (2):

PreventionGenetics, part of Exact Sciences
Classification: Likely benign for CHSY1-related condition. Last evaluated: 2025-12-29. Review status: criteria provided, single submitter. Criteria: ACMG Guidelines, 2015. Collection method: clinical testing. Allele origin: germline.
Comment: This variant is classified as likely benign based on ACMG/AMP sequence variant interpretation guidelines (Richards et al. 2015 PMID: 25741868, with internal and published modifications).

Labcorp Genetics (formerly Invitae), Labcorp
Classification: Uncertain significance for Temtamy preaxial brachydactyly syndrome. Last evaluated: 2021-11-30. Review status: criteria provided, single submitter. Criteria: Invitae Variant Classification Sherloc (09022015). Collection method: clinical testing. Allele origin: germline.
Comment: In summary, the available evidence is currently insufficient to determine the role of this variant in disease. Therefore, it has been classified as a Variant of Uncertain Significance. Algorithms developed to predict the effect of missense changes on protein structure and function are either unavailable or do not agree on the potential impact of this missense change (SIFT: "Tolerated"; PolyPhen-2: "Possibly Damaging"; Align-GVGD: "Class C0"). This variant has not been reported in the literature in individuals affected with CHSY1-related conditions. This variant is present in population databases (rs146924321, gnomAD 0.2%). This sequence change replaces arginine, which is basic and polar, with glutamine, which is neutral and polar, at codon 233 of the CHSY1 protein (p.Arg233Gln).

NM_014918.5(CHSY1):c.698G>A (p.Arg233Gln)

Gene: CHSY1 (chondroitin sulfate synthase 1; minus strand). Cytogenetic location: 15q26.3.
Variant type: single nucleotide variant.
Coding change: c.698G>A on transcript NM_014918.5 (MANE Select); coding-DNA position 698, G replaced by A.
Protein change: p.Arg233Gln; replaces arginine 233 with glutamine.
Molecular consequence: missense variant.
Genome position (GRCh38, 1-based): chr15:101,235,200, C>T on the plus strand (G>A on the coding strand, the complement: CHSY1 is on the minus strand). VCF-style: chr15-101235200-C-T. GRCh37 (hg19) VCF-style: chr15-101775405-C-T.
Other names: c.698G>A (NM_014918.4); short protein forms R233Q.
Identifiers: ClinVar variation 1381091 (VCV001381091.7), dbSNP rs146924321, ClinGen allele CA7762670.